The following is an entry in ClinVar:

ClinVar aggregate classification (germline): Likely pathogenic (0 of 4 stars; one submission).

Conditions:
Breast-ovarian cancer, familial, susceptibility to, 2 (BROVCA2). Also called: BRCA2 Hereditary Breast and Ovarian Cancer. Identifiers: Orphanet 145, MedGen C2675520, MONDO:0012933, OMIM 612555. Disease mechanism: loss of function.

Submission:

deCODE genetics, Amgen
Classification: Likely pathogenic for Breast-ovarian cancer, familial, susceptibility to, 2. Last evaluated: 2023-07-21. Review status: no assertion criteria provided. Collection method: research. Allele origin: germline. Affected: yes. Observed: 1 variant allele.
Comment: The variant NM_000059.4:c.6841G>T (chr13:32341196) in BRCA2 was detected in 1 heterozygote out of 58K WGS Icelanders (MAF= 0,001%). This variant has not been reported in ClinVar previously. Based on ACMG criteria (PVS1, PM2) this variant classifies as likely pathogenic.

NM_000059.4(BRCA2):c.6841G>T (p.Gly2281Ter)

Gene: BRCA2 (BRCA2 DNA repair associated; plus strand). Cytogenetic location: 13q13.1.
Variant type: single nucleotide variant.
Coding change: c.6841G>T on transcript NM_000059.4 (MANE Select); coding-DNA position 6841, G replaced by T.
Protein change: p.Gly2281Ter; replaces glycine 2281 with a stop codon.
Molecular consequence: nonsense. On other transcripts: missense variant (1), non-coding transcript variant (1), intron variant (2).
Genome position (GRCh38, 1-based): chr13:32,341,196, G>T. VCF-style: chr13-32341196-G-T. GRCh37 (hg19) VCF-style: chr13-32915333-G-T.
Other names: c.6841G>T, p.Gly2281Cys (NM_001406719.1); c.6841G>T, p.Gly2281Ter (NM_001406720.1); c.1910-3362G>T (NM_001406721.1); c.425-3362G>T (NM_001406722.1); short protein forms G2281*, G2281C.
Identifiers: ClinVar variation 2574094 (VCV002574094.1), dbSNP rs1390926046, ClinGen allele CA387791519.
Genomic context (GRCh38, chr13:32,341,196, plus strand): 5'-GAAATGGTTTTGTCAAATTCAAGAATTGGAAAAAGAAGAGGAGAGCCCCTTATCTTAGTG[G>T]GTAAGTGTTCATTTTTACCTTTCGTGTTGCCAATCACTATTTTTAAAGTGTTTATTCAGT-3'